The following is an entry in ClinVar:

ClinVar aggregate classification (germline): Likely pathogenic (1 of 4 stars; one submission).

Submission:

Dasa
Classification: Likely pathogenic. Last evaluated: 2026-03-11. Review status: criteria provided, single submitter. Criteria: DASA Assertion Criteria. Collection method: clinical testing. Allele origin: germline.
Comment: NM_004343.4(CALR):c.1099_1135del (p.Leu367Argfs*51) is a frameshift variant in CALR predicted to alter the reading frame and introduce a premature termination codon and is predicted to result in an absent or altered protein product. Loss of function is an established disease mechanism for CALR-associated disorders. Also, this variant is rare in population databases. Based on the currently available evidence, this variant is classified as likely pathogenic.

NM_004343.4(CALR):c.1099_1135del (p.Leu367fs)

Gene: CALR (calreticulin; plus strand). Cytogenetic location: 19p13.13.
Variant type: Deletion.
Coding change: c.1099_1135del on transcript NM_004343.4 (MANE Select); coding-DNA positions 1099 to 1135, 37 bases deleted.
Protein change: p.Leu367fs; shifts the reading frame from leucine 367.
Molecular consequence: frameshift variant.
Genome position (GRCh38, 1-based): chr19:12,943,758-12,943,794, 37 bases deleted; deleting any 37 consecutive bases within chr19:12,943,753-12,943,794 gives the same sequence; the c. name uses the placement nearest the transcript's 3' end. GRCh37 (hg19): chr19:13,054,572-13,054,608.
Other names: short protein forms L367fs.
Identifiers: ClinVar variation 4880827 (VCV004880827.2).